The following is an entry in ClinVar:

NM_005591.4(MRE11):c.1237A>G (p.Asn413Asp)

Gene: MRE11 (MRE11 double strand break repair nuclease; minus strand). Cytogenetic location: 11q21.
Variant type: single nucleotide variant.
Coding change: c.1237A>G on transcript NM_005591.4 (MANE Select); coding-DNA position 1237, A replaced by G.
Protein change: p.Asn413Asp; replaces asparagine 413 with aspartic acid.
Molecular consequence: missense variant.
Genome position (GRCh38, 1-based): chr11:94,461,025, T>C on the plus strand (A>G on the coding strand, the complement: MRE11 is on the minus strand). VCF-style: chr11-94461025-T-C. GRCh37 (hg19) VCF-style: chr11-94194191-T-C.
Other names: c.1237A>G, p.Asn413Asp (NM_001330347.2, NM_005590.4); short protein forms N413D.
Identifiers: ClinVar variation 3912881 (VCV003912881.1).
Genomic context (GRCh38, chr11:94,461,025, plus strand): 5'-CAAGATCTTCTACCCTTAAAGTTGTTCCTTCTGAAGGCTTTGTGATAAGTTTCCCAAAGT[T>C]GATCTCTTCTCCTAGAAAAAAAGAAGTATATCAAAAAATAGCTTCTATCATAATGTTAAA-3'
Protein context (NP_005582.1, residues 403-423): EQKEKTGEEI[Asn413Asp]FGKLITKPSE

ClinVar aggregate classification (germline): Uncertain significance (1 of 4 stars; one submission).

Conditions:
Hereditary cancer-predisposing syndrome. Also called: Hereditary Cancer Syndrome; Hereditary neoplastic syndrome; Neoplastic Syndromes, Hereditary; Tumor predisposition. Identifiers: Orphanet 140162, MedGen C0027672, MeSH D009386, MONDO:0015356.

Submission:

Ambry Genetics
Classification: Uncertain significance for Hereditary cancer-predisposing syndrome. Last evaluated: 2025-05-07. Review status: criteria provided, single submitter. Criteria: Ambry Variant Classification Scheme 2023. Collection method: clinical testing. Allele origin: germline.
Comment: The p.N413D variant (also known as c.1237A>G), located in coding exon 11 of the MRE11A gene, results from an A to G substitution at nucleotide position 1237. The asparagine at codon 413 is replaced by aspartic acid, an amino acid with highly similar properties. This amino acid position is conserved. In addition, this alteration is predicted to be tolerated by in silico analysis. Based on the available evidence, the clinical significance of this variant remains unclear.